The following is an entry in ClinVar:

ClinVar aggregate classification (germline): Uncertain significance (1 of 4 stars; one submission).

Conditions:
Cardiovascular phenotype. Identifiers: MedGen CN230736.

Submissions (2):

Ambry Genetics
Classification: Uncertain significance for Cardiovascular phenotype. Last evaluated: 2025-06-28. Review status: criteria provided, single submitter. Criteria: Ambry Variant Classification Scheme 2023. Collection method: clinical testing. Allele origin: germline.
Comment: The p.I66M variant (also known as c.198C>G), located in coding exon 1 of the KCNE1 gene, results from a C to G substitution at nucleotide position 198. The isoleucine at codon 66 is replaced by methionine, an amino acid with highly similar properties. This amino acid position is conserved. In addition, the in silico prediction for this alteration is inconclusive. Based on the available evidence, the clinical significance of this variant remains unclear.

Roden Lab, Vanderbilt University Medical Center
No classification provided (evidence only). Condition: Long QT syndrome 5. Review status: no classification provided. Collection method: in vitro. Allele origin: not applicable. Functional consequence: Effect on ion channel function. Not counted in ClinVar's aggregate classification.
ClinVar note: "not provided" was previously submitted as the classification for the variant. However, the classification appeared to be based only on an observation of functional data so it was converted to no classification on 2025-07-30.

NM_000219.6(KCNE1):c.198C>G (p.Ile66Met)

Gene: KCNE1 (potassium voltage-gated channel subfamily E regulatory subunit 1; minus strand). Cytogenetic location: 21q22.12.
Variant type: single nucleotide variant.
Coding change: c.198C>G on transcript NM_000219.6 (MANE Select); coding-DNA position 198, C replaced by G.
Protein change: p.Ile66Met; replaces isoleucine 66 with methionine.
Molecular consequence: missense variant.
Genome position (GRCh38, 1-based): chr21:34,449,437, G>C on the plus strand (C>G on the coding strand, the complement: KCNE1 is on the minus strand). VCF-style: chr21-34449437-G-C. GRCh37 (hg19) VCF-style: chr21-35821735-G-C.
Other names: c.198C>G, p.Ile66Met (NM_001127668.4, NM_001127669.4, NM_001127670.4 and 4 more transcripts); short protein forms I66M.
Identifiers: ClinVar variation 3374310 (VCV003374310.3).